The following is an entry in ClinVar:

ClinVar aggregate classification (germline): Uncertain significance (1 of 4 stars; one submission).

Conditions:
Ulnar-mammary syndrome (UMS). Also called: SCHINZEL SYNDROME; PALLISTER ULNAR-MAMMARY SYNDROME; Ulnar-mammary syndrome of Pallister. Identifiers: Orphanet 3138, MedGen C1866994, MONDO:0008411, OMIM 181450.

gnomAD v4.1: 2 of 1,552,054 alleles (0.00013%); highest among the groups gnomAD compares: Non-Finnish European, 0.00017%; no homozygotes.

Submission:

Labcorp Genetics (formerly Invitae), Labcorp
Classification: Uncertain significance for Ulnar-mammary syndrome. Last evaluated: 2025-01-27. Review status: criteria provided, single submitter. Criteria: Invitae Variant Classification Sherloc (09022015). Collection method: clinical testing. Allele origin: germline.
Comment: This sequence change replaces asparagine, which is neutral and polar, with lysine, which is basic and polar, at codon 494 of the TBX3 protein (p.Asn494Lys). This variant is not present in population databases (gnomAD no frequency). This variant has not been reported in the literature in individuals affected with TBX3-related conditions. An algorithm developed to predict the effect of missense changes on protein structure and function (PolyPhen-2) suggests that this variant is likely to be disruptive. In summary, the available evidence is currently insufficient to determine the role of this variant in disease. Therefore, it has been classified as a Variant of Uncertain Significance.

NM_005996.4(TBX3):c.1482C>A (p.Asn494Lys)

Gene: TBX3 (T-box transcription factor 3; minus strand). Cytogenetic location: 12q24.21.
Variant type: single nucleotide variant.
Coding change: c.1482C>A on transcript NM_005996.4 (MANE Select); coding-DNA position 1482, C replaced by A.
Protein change: p.Asn494Lys; replaces asparagine 494 with lysine.
Molecular consequence: missense variant.
Genome position (GRCh38, 1-based): chr12:114,674,393, G>T on the plus strand (C>A on the coding strand, the complement: TBX3 is on the minus strand). VCF-style: chr12-114674393-G-T. GRCh37 (hg19) VCF-style: chr12-115112198-G-T.
Other names: c.1542C>A, p.Asn514Lys (NM_016569.4); short protein forms N514K, N494K.
Identifiers: ClinVar variation 3676860 (VCV003676860.2).